The following is an entry in ClinVar:

ClinVar aggregate classification (germline): Uncertain significance (1 of 4 stars; one submission).

Submission:

Labcorp Genetics (formerly Invitae), Labcorp
Classification: Uncertain significance. Last evaluated: 2023-08-17. Review status: criteria provided, single submitter. Criteria: Invitae Variant Classification Sherloc (09022015). Collection method: clinical testing. Allele origin: germline.
Comment: This sequence change replaces leucine, which is neutral and non-polar, with histidine, which is basic and polar, at codon 677 of the SEMA3A protein (p.Leu677His). This variant is not present in population databases (gnomAD no frequency). This variant has not been reported in the literature in individuals affected with SEMA3A-related conditions. An algorithm developed to predict the effect of missense changes on protein structure and function (PolyPhen-2) suggests that this variant is likely to be disruptive. In summary, the available evidence is currently insufficient to determine the role of this variant in disease. Therefore, it has been classified as a Variant of Uncertain Significance.

NM_006080.3(SEMA3A):c.2030T>A (p.Leu677His)

Gene: SEMA3A (semaphorin 3A; minus strand). Cytogenetic location: 7q21.11.
Variant type: single nucleotide variant.
Coding change: c.2030T>A on transcript NM_006080.3 (MANE Select); coding-DNA position 2030, T replaced by A.
Protein change: p.Leu677His; replaces leucine 677 with histidine.
Molecular consequence: missense variant.
Genome position (GRCh38, 1-based): chr7:83,961,657, A>T on the plus strand (T>A on the coding strand, the complement: SEMA3A is on the minus strand). VCF-style: chr7-83961657-A-T. GRCh37 (hg19) VCF-style: chr7-83590973-A-T.
Other names: short protein forms L677H.
Identifiers: ClinVar variation 2753578 (VCV002753578.3), dbSNP rs765770931, ClinGen allele CA367944352.